The following is an entry in ClinVar:

NM_005909.5(MAP1B):c.4351A>C (p.Thr1451Pro)

Gene: MAP1B (microtubule associated protein 1B; plus strand). Cytogenetic location: 5q13.2.
Variant type: single nucleotide variant.
Coding change: c.4351A>C on transcript NM_005909.5 (MANE Select); coding-DNA position 4351, A replaced by C.
Protein change: p.Thr1451Pro; replaces threonine 1451 with proline.
Molecular consequence: missense variant.
Genome position (GRCh38, 1-based): chr5:72,197,706, A>C. VCF-style: chr5-72197706-A-C. GRCh37 (hg19) VCF-style: chr5-71493533-A-C.
Other names: c.3973A>C, p.Thr1325Pro (NM_001324255.2); short protein forms T1325P, T1451P.
Identifiers: ClinVar variation 4535991 (VCV004535991.1).
Genomic context (GRCh38, chr5:72,197,706, plus strand): 5'-GAAAAGAGTGGAAAACAAGGCTCTCCAGACCAAGTAAGTCCAGTTTCTGAAATGACTTCT[A>C]CTAGTCTTTACCAAGACAAACAGGAAGGGAAAAGCACAGACTTTGCACCAATAAAAGAAG-3'
Protein context (NP_005900.2, residues 1441-1461): QVSPVSEMTS[Thr1451Pro]SLYQDKQEGK

ClinVar aggregate classification (germline): Uncertain significance (1 of 4 stars; one submission).

gnomAD v4.1: 5 of 1,614,008 alleles (0.00031%); highest among the groups gnomAD compares: Admixed American, 0.0083%; no homozygotes.

Submission:

Women's Health and Genetics/Laboratory Corporation of America, LabCorp
Classification: Uncertain significance. Last evaluated: 2025-09-24. Review status: criteria provided, single submitter. Criteria: LabCorp Variant Classification Summary - May 2015. Collection method: clinical testing. Allele origin: germline.
Comment: Variant summary: MAP1B c.4351A>C (p.Thr1451Pro) results in a non-conservative amino acid change in the encoded protein sequence. Algorithms developed to predict the effect of missense changes on protein structure and function are either unavailable or do not agree on the potential impact of this missense change. The variant allele was found at a frequency of 1.6e-05 in 250542 control chromosomes. The available data on variant occurrences in the general population are insufficient to allow any conclusion about variant significance. To our knowledge, no occurrence of c.4351A>C in individuals affected with MAP1B-related conditions and no experimental evidence demonstrating its impact on protein function have been reported. No submitters have cited clinical-significance assessments for this variant to ClinVar. Based on the evidence outlined above, the variant was classified as uncertain significance.